The following is an entry in ClinVar:

ClinVar aggregate classification (germline): Conflicting classifications of pathogenicity. Review status: criteria provided, conflicting classifications (1 of 4 stars). 3 submissions from 3 submitters: Uncertain significance (2); Likely benign (1). Last evaluated 2025-12-03.

Conditions:
Myofibrillar myopathy 4. Also called: Zaspopathy (type). Identifiers: Orphanet 98912, MedGen C4721886, MONDO:0012277, OMIM 609452.
Cardiovascular phenotype. Identifiers: MedGen CN230736.

Allele frequency attached by ClinVar (database versions not stated): gnomAD exomes 0.00001; gnomAD 0.00011; TOPMed 0.00027.
gnomAD v4.1: 31 of 1,612,018 alleles (0.0019%); highest among the groups gnomAD compares: Admixed American, 0.037%; no homozygotes.

Submissions (3):

Labcorp Genetics (formerly Invitae), Labcorp
Classification: Uncertain significance for Myofibrillar myopathy 4. Last evaluated: 2025-12-03. Review status: criteria provided, single submitter. Criteria: Invitae Variant Classification Sherloc (09022015). Collection method: clinical testing. Allele origin: germline.
Comment: The LDB3 gene has multiple clinically relevant transcripts. This variant occurs in alternate transcript NM_007078.3, and corresponds to NM_001080116.1:c.321+1361C>A in the primary transcript. This sequence change replaces threonine, which is neutral and polar, with asparagine, which is neutral and polar, at codon 135 of the LDB3 protein (p.Thr135Asn). This variant is present in population databases (no rsID available, gnomAD 0.006%). This variant has not been reported in the literature in individuals affected with LDB3-related conditions. ClinVar contains an entry for this variant (Variation ID: 702008). Experimental studies and prediction algorithms are not available or were not evaluated, and the functional significance of this variant is currently unknown. Algorithms developed to predict the effect of sequence changes on RNA splicing suggest that this variant is not likely to affect RNA splicing. In summary, the available evidence is currently insufficient to determine the role of this variant in disease. Therefore, it has been classified as a Variant of Uncertain Significance.

Ambry Genetics
Classification: Likely benign for Cardiovascular phenotype. Last evaluated: 2025-06-13. Review status: criteria provided, single submitter. Criteria: Ambry Variant Classification Scheme 2023. Collection method: clinical testing. Allele origin: germline.

GeneDx
Classification: Uncertain significance. Last evaluated: 2019-04-18. Review status: criteria provided, single submitter. Criteria: GeneDx Variant Classification Process June 2021. Collection method: clinical testing. Allele origin: germline. Affected: yes.
Comment: Has not been previously published as pathogenic or benign to our knowledge; Not observed at a significant frequency in large population cohorts (Lek et al., 2016); In silico analysis, which includes protein predictors and evolutionary conservation, supports that this variant does not alter protein structure/function

NM_007078.3(LDB3):c.404C>A (p.Thr135Asn)

Gene: LDB3 (LIM domain binding 3; plus strand). Cytogenetic location: 10q23.2.
Variant type: single nucleotide variant.
Coding change: c.404C>A on transcript NM_007078.3 (MANE Select); coding-DNA position 404, C replaced by A.
Protein change: p.Thr135Asn; replaces threonine 135 with asparagine.
Molecular consequence: missense variant. On other transcripts: intron variant (5).
Genome position (GRCh38, 1-based): chr10:86,681,518, C>A. VCF-style: chr10-86681518-C-A. GRCh37 (hg19) VCF-style: chr10-88441275-C-A.
Other names: c.404C>A (NM_007078.2); c.321+1361C>A (NM_001080116.1, NM_001368068.1, NM_001368066.1 and 2 more transcripts); c.404C>A, p.Thr135Asn (NM_001080115.2, NM_001171610.2, NM_001171611.2 and 3 more transcripts); short protein forms T135N.
Identifiers: ClinVar variation 702008 (VCV000702008.15), dbSNP rs1004651681, ClinGen allele CA211211863.